The following is an entry in ClinVar:

ClinVar aggregate classification (germline): Conflicting classifications of pathogenicity. Review status: criteria provided, conflicting classifications (1 of 4 stars). 2 submissions from 2 submitters: Uncertain significance (1); Likely benign (1). Last evaluated 2024-01-24.

Conditions:
Cardiovascular phenotype. Identifiers: MedGen CN230736.

Allele frequency attached by ClinVar (database versions not stated): gnomAD exomes below 0.00001; TOPMed 0.00003; gnomAD 0.00006.
gnomAD v4.1: 11 of 1,544,548 alleles (0.00071%); highest among the groups gnomAD compares: African/African-American, 0.015%; no homozygotes.

Submissions (2):

Labcorp Genetics (formerly Invitae), Labcorp
Classification: Uncertain significance. Last evaluated: 2024-01-24. Review status: criteria provided, single submitter. Criteria: Invitae Variant Classification Sherloc (09022015). Collection method: clinical testing. Allele origin: germline.
Comment: This sequence change replaces aspartic acid, which is acidic and polar, with glycine, which is neutral and non-polar, at codon 762 of the ZNF469 protein (p.Asp762Gly). This variant is present in population databases (no rsID available, gnomAD 0.03%). This variant has not been reported in the literature in individuals affected with ZNF469-related conditions. ClinVar contains an entry for this variant (Variation ID: 1446092). An algorithm developed to predict the effect of missense changes on protein structure and function (PolyPhen-2) suggests that this variant¬†is likely to be tolerated. In summary, the available evidence is currently insufficient to determine the role of this variant in disease. Therefore, it has been classified as a Variant of Uncertain Significance.

Ambry Genetics
Classification: Likely benign for Cardiovascular phenotype. Last evaluated: 2023-11-28. Review status: criteria provided, single submitter. Criteria: Ambry Variant Classification Scheme 2023. Collection method: clinical testing. Allele origin: germline.

NM_001367624.2(ZNF469):c.2285A>G (p.Asp762Gly)

Gene: ZNF469 (zinc finger protein 469; plus strand). Cytogenetic location: 16q24.2.
Variant type: single nucleotide variant.
Coding change: c.2285A>G on transcript NM_001367624.2 (MANE Select); coding-DNA position 2285, A replaced by G.
Protein change: p.Asp762Gly; replaces aspartic acid 762 with glycine.
Molecular consequence: missense variant.
Genome position (GRCh38, 1-based): chr16:88,429,755, A>G. VCF-style: chr16-88429755-A-G. GRCh37 (hg19) VCF-style: chr16-88496163-A-G.
Other names: NM_001127464.1:c.2285A>G; short protein forms D762G.
Identifiers: ClinVar variation 1446092 (VCV001446092.7), dbSNP rs866231149, ClinGen allele CA286373520.